The following is an entry in ClinVar:

NC_000014.8:g.(?_76425530)_(76432058_?)dup

Gene: TGFB3 (transforming growth factor beta 3; minus strand). Cytogenetic location: 14q24.3.
Variant type: Duplication.
Identifiers: ClinVar variation 2424660 (VCV002424660.3).

ClinVar aggregate classification (germline): Uncertain significance (1 of 4 stars; one submission).

Conditions:
Rienhoff syndrome. Also called: LOEYS-DIETZ SYNDROME 5. Identifiers: MedGen C3810012, MONDO:0014262, OMIM 615582.

Submission:

Labcorp Genetics (formerly Invitae), Labcorp
Classification: Uncertain significance for Rienhoff syndrome. Last evaluated: 2022-07-31. Review status: criteria provided, single submitter. Criteria: Invitae Variant Classification Sherloc (09022015). Collection method: clinical testing. Allele origin: germline.
Comment: This variant results in a copy number gain of the genomic region encompassing exon(s) 4-7 of the TGFB3 gene. This region includes the termination codon of the gene. This copy number gain extends beyond the assayed region for this gene and therefore may encompass additional genes. As the precise location of this event is unknown, it may be in tandem or it may be located elsewhere in the genome. This variant has not been reported in the literature in individuals affected with TGFB3-related conditions. Experimental studies and prediction algorithms are not available or were not evaluated, and the functional significance of this variant is currently unknown. In summary, the available evidence is currently insufficient to determine the role of this variant in disease. Therefore, it has been classified as a Variant of Uncertain Significance.